The following is an entry in ClinVar:

ClinVar aggregate classification (germline): Uncertain significance (1 of 4 stars; one submission).

Conditions:
X-linked intellectual disability, Cantagrel type (XLID98). Also called: INTELLECTUAL DEVELOPMENTAL DISORDER, X-LINKED 98. Identifiers: Orphanet 85277, MedGen C3806730, MONDO:0010483, OMIM 300912.

Submission:

Neuberg Centre For Genomic Medicine, NCGM
Classification: Uncertain significance for X-linked intellectual disability, Cantagrel type. Review status: criteria provided, single submitter. Criteria: ACMG Guidelines, 2015. Collection method: clinical testing. Allele origin: germline. Inheritance: X-linked inheritance. Affected: yes.
Comment: The missense variant p.N1169K in NEXMIF (NM_001008537.3) has not been reported previously as a pathogenic variant nor as a benign variant, to our knowledge. The p.N1169K variant is novel (not in any individuals) in gnomAD Exomes and is novel (not in any individuals) in 1000 Genomes. There is a moderate physicochemical difference between asparagine and lysine. The variant is predicted to be damaging by both SIFT and PolyPhen2. For these reasons, this variant has been classified as Uncertain Significance (VUS).

NM_001008537.3(NEXMIF):c.3507C>A (p.Asn1169Lys)

Gene: NEXMIF (neurite extension and migration factor; minus strand). Cytogenetic location: Xq13.3.
Variant type: single nucleotide variant.
Coding change: c.3507C>A on transcript NM_001008537.3 (MANE Select); coding-DNA position 3507, C replaced by A.
Protein change: p.Asn1169Lys; replaces asparagine 1169 with lysine.
Molecular consequence: missense variant.
Genome position (GRCh38, 1-based): chrX:74,741,050, G>T on the plus strand (C>A on the coding strand, the complement: NEXMIF is on the minus strand). VCF-style: chrX-74741050-G-T. GRCh37 (hg19) VCF-style: chrX-73960885-G-T.
Other names: short protein forms N1169K.
Identifiers: ClinVar variation 2585591 (VCV002585591.1), dbSNP rs759384078, ClinGen allele CA413665645.